The following is an entry in ClinVar:

ClinVar aggregate classification (germline): Uncertain significance (1 of 4 stars; one submission).

gnomAD v4.1: 1 of 1,614,034 alleles (0.000062%); highest among the groups gnomAD compares: Non-Finnish European, 0.000085%; no homozygotes.

Submission:

GeneDx
Classification: Uncertain significance. Last evaluated: 2023-05-11. Review status: criteria provided, single submitter. Criteria: GeneDx Variant Classification Process June 2021. Collection method: clinical testing. Allele origin: germline. Affected: yes.
Comment: Not observed at significant frequency in large population cohorts (gnomAD); In silico analysis supports that this missense variant has a deleterious effect on protein structure/function; Has not been previously published as pathogenic or benign to our knowledge; Variants in candidate genes are classified as variants of uncertain significance in accordance with ACMG guidelines (Richards et al., 2015)

NM_001128.6(AP1G1):c.1262C>G (p.Thr421Arg)

Gene: AP1G1 (adaptor related protein complex 1 subunit gamma 1; minus strand). Cytogenetic location: 16q22.2.
Variant type: single nucleotide variant.
Coding change: c.1262C>G on transcript NM_001128.6 (MANE Select); coding-DNA position 1262, C replaced by G.
Protein change: p.Thr421Arg; replaces threonine 421 with arginine.
Molecular consequence: missense variant.
Genome position (GRCh38, 1-based): chr16:71,753,855, G>C on the plus strand (C>G on the coding strand, the complement: AP1G1 is on the minus strand). VCF-style: chr16-71753855-G-C. GRCh37 (hg19) VCF-style: chr16-71787758-G-C.
Other names: c.1271C>G, p.Thr424Arg (NM_001030007.2); short protein forms T421R, T424R.
Identifiers: ClinVar variation 3343291 (VCV003343291.1).